The following is an entry in ClinVar:

NM_000321.3(RB1):c.1010T>G (p.Leu337Trp)

Gene: RB1 (RB transcriptional corepressor 1; plus strand). Cytogenetic location: 13q14.2.
Variant type: single nucleotide variant.
Coding change: c.1010T>G on transcript NM_000321.3 (MANE Select); coding-DNA position 1010, T replaced by G.
Protein change: p.Leu337Trp; replaces leucine 337 with tryptophan.
Molecular consequence: missense variant.
Genome position (GRCh38, 1-based): chr13:48,367,564, T>G. VCF-style: chr13-48367564-T-G. GRCh37 (hg19) VCF-style: chr13-48941700-T-G.
Other names: c.1010T>G, p.Leu337Trp (NM_001407165.1, NM_001407166.1); short protein forms L337W.
Identifiers: ClinVar variation 2840138 (VCV002840138.3), dbSNP rs2542188593, ClinGen allele CA388160806.

ClinVar aggregate classification (germline): Uncertain significance (1 of 4 stars; one submission).

Conditions:
Retinoblastoma (RB1). Also called: RETINOBLASTOMA, SOMATIC. Identifiers: Orphanet 790, MedGen C0035335, MeSH D012175, MONDO:0008380, OMIM 180200, HP:0009919. Disease mechanism: loss of function. Inheritance: Both sporadic and heritable forms are tested..

Submission:

Labcorp Genetics (formerly Invitae), Labcorp
Classification: Uncertain significance for Retinoblastoma. Last evaluated: 2025-05-17. Review status: criteria provided, single submitter. Criteria: Invitae Variant Classification Sherloc (09022015). Collection method: clinical testing. Allele origin: germline.
Comment: This sequence change replaces leucine, which is neutral and non-polar, with tryptophan, which is neutral and slightly polar, at codon 337 of the RB1 protein (p.Leu337Trp). This variant is not present in population databases (gnomAD no frequency). This variant has not been reported in the literature in individuals affected with RB1-related conditions. ClinVar contains an entry for this variant (Variation ID: 2840138). Invitae Evidence Modeling of protein sequence and biophysical properties (such as structural, functional, and spatial information, amino acid conservation, physicochemical variation, residue mobility, and thermodynamic stability) indicates that this missense variant is expected to disrupt RB1 protein function with a positive predictive value of 80%. In summary, the available evidence is currently insufficient to determine the role of this variant in disease. Therefore, it has been classified as a Variant of Uncertain Significance.